The following is an entry in ClinVar:

ClinVar aggregate classification (germline): Uncertain significance (1 of 4 stars; one submission).

Conditions:
Pityriasis rubra pilaris (PRP). Also called: Pityriasis rubra pilaris--familial type. Identifiers: Orphanet 2897, MedGen C0032027, MONDO:0100017, OMIM 173200, MONDO:0008251.
Psoriasis 2. Identifiers: MedGen C1864497, MONDO:0011269, OMIM 602723.

Allele frequency attached by ClinVar (database versions not stated): gnomAD exomes below 0.00001; TOPMed 0.00001.
gnomAD v4.1: 2 of 1,598,846 alleles (0.00013%); highest among the groups gnomAD compares: Admixed American, 0.0034%; no homozygotes.

Submission:

Labcorp Genetics (formerly Invitae), Labcorp
Classification: Uncertain significance for Pityriasis rubra pilaris; Psoriasis 2. Last evaluated: 2025-10-23. Review status: criteria provided, single submitter. Criteria: Invitae Variant Classification Sherloc (09022015). Collection method: clinical testing. Allele origin: germline.
Comment: This sequence change affects an acceptor splice site in intron 9 of the CARD14 gene. It is expected to disrupt RNA splicing. Variants that disrupt the donor or acceptor splice site typically lead to a loss of protein function (PMID: 16199547), however the current clinical and genetic evidence is not sufficient to establish whether loss-of-function variants in CARD14 cause disease. This variant is present in population databases (no rsID available, gnomAD 0.003%). This variant has not been reported in the literature in individuals affected with CARD14-related conditions. ClinVar contains an entry for this variant (Variation ID: 1057689). Algorithms developed to predict the effect of sequence changes on RNA splicing suggest that this variant may disrupt the consensus splice site. In summary, the available evidence is currently insufficient to determine the role of this variant in disease. Therefore, it has been classified as a Variant of Uncertain Significance.

Literature cited by the submitters: PubMed 16199547.

NM_001366385.1(CARD14):c.1357-2A>C

Gene: CARD14 (caspase recruitment domain family member 14; plus strand). Cytogenetic location: 17q25.3.
Variant type: single nucleotide variant.
Coding change: c.1357-2A>C on transcript NM_001366385.1 (MANE Select); the canonical splice acceptor site of the intron before coding-DNA position 1357, A replaced by C.
Molecular consequence: splice acceptor variant.
Genome position (GRCh38, 1-based): chr17:80,195,189, A>C. VCF-style: chr17-80195189-A-C. GRCh37 (hg19) VCF-style: chr17-78168988-A-C.
Other names: c.1357-2A>C (NM_024110.4, NM_001257970.1); c.646-2A>C (NM_052819.3).
Identifiers: ClinVar variation 1057689 (VCV001057689.10), dbSNP rs1220950502, ClinGen allele CA401348569.